The following is an entry in ClinVar:

NM_006206.6(PDGFRA):c.1867A>G (p.Lys623Glu)

Gene: PDGFRA (platelet derived growth factor receptor alpha; plus strand). Cytogenetic location: 4q12.
Variant type: single nucleotide variant.
Coding change: c.1867A>G on transcript NM_006206.6 (MANE Select); coding-DNA position 1867, A replaced by G.
Protein change: p.Lys623Glu; replaces lysine 623 with glutamic acid.
Molecular consequence: missense variant.
Genome position (GRCh38, 1-based): chr4:54,277,468, A>G. VCF-style: chr4-54277468-A-G. GRCh37 (hg19) VCF-style: chr4-55143635-A-G.
Other names: c.1867A>G, p.Lys623Glu (NM_001347827.2, NM_001347829.2); c.1942A>G, p.Lys648Glu (NM_001347828.2); c.1906A>G, p.Lys636Glu (NM_001347830.2); short protein forms K648E, K623E, K636E.
Identifiers: ClinVar variation 2045802 (VCV002045802.4), dbSNP rs2475508019, ClinGen allele CA356893493.

ClinVar aggregate classification (germline): Uncertain significance (1 of 4 stars; one submission).

Conditions:
Gastrointestinal stromal tumor. Also called: Gastrointestinal stroma tumor; Gastrointestinal stromal tumor, somatic. Identifiers: Orphanet 44890, MedGen C0238198, MeSH D046152, MONDO:0011719, OMIM 606764, HP:0100723.

Submission:

Labcorp Genetics (formerly Invitae), Labcorp
Classification: Uncertain significance for Gastrointestinal stromal tumor. Last evaluated: 2021-12-27. Review status: criteria provided, single submitter. Criteria: Invitae Variant Classification Sherloc (09022015). Collection method: clinical testing. Allele origin: germline.
Comment: In summary, the available evidence is currently insufficient to determine the role of this variant in disease. Therefore, it has been classified as a Variant of Uncertain Significance. Algorithms developed to predict the effect of missense changes on protein structure and function are either unavailable or do not agree on the potential impact of this missense change (SIFT: "Tolerated"; PolyPhen-2: "Probably Damaging"; Align-GVGD: "Class C0"). This variant has not been reported in the literature in individuals affected with PDGFRA-related conditions. This variant is not present in population databases (gnomAD no frequency). This sequence change replaces lysine, which is basic and polar, with glutamic acid, which is acidic and polar, at codon 623 of the PDGFRA protein (p.Lys623Glu).